The following is an entry in ClinVar:

ClinVar aggregate classification (germline): Pathogenic (1 of 4 stars; one submission).

Conditions:
Hereditary factor XI deficiency disease. Also called: PLASMA THROMBOPLASTIN ANTECEDENT DEFICIENCY; PTA DEFICIENCY; ROSENTHAL SYNDROME; Congenital factor XI deficiency. Identifiers: Orphanet 329, MedGen C0015523, MeSH D005173, MONDO:0012897, OMIM 612416.

Submission:

Myriad Genetics, Inc.
Classification: Pathogenic for Hereditary factor XI deficiency disease. Last evaluated: 2024-05-14. Review status: criteria provided, single submitter. Criteria: Myriad Autosomal Dominant, Autosomal Recessive and X-Linked Classification Criteria (2023). Collection method: clinical testing. Allele origin: unknown.
Comment: NM_000128.3(F11):c.682_684del3ins10(R228Tfs*33) is expected to be pathogenic in the context of factor XI deficiency. This variant is predicted to lead to an abnormal or absent protein product due to the creation of a premature termination codon in F11, a gene where loss-of-function variants are known to be pathogenic. Please note: this variant was assessed in the context of healthy population screening.

NM_000128.4(F11):c.682_684delinsACTGTCTCTT (p.Arg228fs)

Gene: F11 (coagulation factor XI; plus strand). Cytogenetic location: 4q35.2.
Variant type: Indel.
Coding change: c.682_684delinsACTGTCTCTT on transcript NM_000128.4 (MANE Select); coding-DNA positions 682 to 684, CGA replaced by ACTGTCTCTT.
Protein change: p.Arg228fs; shifts the reading frame from arginine 228.
Molecular consequence: frameshift variant. On other transcripts: intron variant (4).
Genome position (GRCh38, 1-based): chr4:186,276,317-186,276,319, CGA replaced by ACTGTCTCTT. VCF-style: chr4-186276317-CGA-ACTGTCTCTT. GRCh37 (hg19) VCF-style: chr4-187197471-CGA-ACTGTCTCTT.
Other names: c.682_684delinsACTGTCTCTT, p.Arg228fs (NM_001440590.1, NM_001440593.1, NM_001440596.1); c.485+2042_485+2044delinsACTGTCTCTT (NM_001440605.1, NM_001440607.1, NM_001440606.1 and 1 more transcripts); short protein forms R228fs.
Identifiers: ClinVar variation 5010394 (VCV005010394.1).
Genomic context (GRCh38, chr4:186,276,317, plus strand): 5'-ACGGTGTTTGCAGACAGCAACATCGACAGTGTCATGGCTCCCGATGCTTTTGTCTGTGGC[CGA>ACTGTCTCTT]ATCTGCACTCATCATCCCGGTTGCTTGTTTTTTACCTTCTTTTCCCAGGAATGGCCCAAA-3'